The following is an entry in ClinVar:

ClinVar aggregate classification (germline): Uncertain significance (1 of 4 stars; one submission).

Allele frequency attached by ClinVar (database versions not stated): gnomAD 0.00001.
gnomAD v4.1: 4 of 1,612,716 alleles (0.00025%); highest among the groups gnomAD compares: East Asian, 0.0089%; no homozygotes.

Submission:

Labcorp Genetics (formerly Invitae), Labcorp
Classification: Uncertain significance. Last evaluated: 2020-12-23. Review status: criteria provided, single submitter. Criteria: Invitae Variant Classification Sherloc (09022015). Collection method: clinical testing. Allele origin: germline.
Comment: This sequence change replaces serine with arginine at codon 181 of the ADCY1 protein (p.Ser181Arg). The serine residue is weakly conserved and there is a moderate physicochemical difference between serine and arginine. This variant is present in population databases (rs778441100, ExAC 0.01%). This variant has not been reported in the literature in individuals with ADCY1-related conditions. Algorithms developed to predict the effect of missense changes on protein structure and function are either unavailable or do not agree on the potential impact of this missense change (SIFT: "Deleterious"; PolyPhen-2: "Benign"; Align-GVGD: "Class C0"). In summary, the available evidence is currently insufficient to determine the role of this variant in disease. Therefore, it has been classified as a Variant of Uncertain Significance.

NM_021116.4(ADCY1):c.543C>A (p.Ser181Arg)

Gene: ADCY1 (adenylate cyclase 1; plus strand). Cytogenetic location: 7p12.3.
Variant type: single nucleotide variant.
Coding change: c.543C>A on transcript NM_021116.4 (MANE Select); coding-DNA position 543, C replaced by A.
Protein change: p.Ser181Arg; replaces serine 181 with arginine.
Molecular consequence: missense variant. On other transcripts: 5 prime UTR variant (1).
Genome position (GRCh38, 1-based): chr7:45,575,086, C>A. VCF-style: chr7-45575086-C-A. GRCh37 (hg19) VCF-style: chr7-45614685-C-A.
Other names: c.-133C>A (NM_001281768.2); short protein forms S181R.
Identifiers: ClinVar variation 1496565 (VCV001496565.8), dbSNP rs778441100, ClinGen allele CA4248700.